The following is an entry in ClinVar:

ClinVar aggregate classification (germline): Conflicting classifications of pathogenicity. Review status: criteria provided, conflicting classifications (1 of 4 stars). 6 submissions from 6 submitters: Uncertain significance (2); Likely benign (4). Last evaluated 2026-01-19.

Conditions:
ADGRV1-related disorder. Also called: ADGRV1-related condition; ADGRV1-related disorders.
Inborn genetic diseases. Identifiers: MedGen C0950123, MeSH D030342.

Allele frequency attached by ClinVar (database versions not stated): gnomAD below 0.00001 and 0.00008; TOPMed 0.00001; gnomAD exomes 0.00015 and 0.00028; 1000 Genomes Project 30x 0.00016; 1000 Genomes Project 0.00020; ExAC 0.00029.

Submissions (6):

Labcorp Genetics (formerly Invitae), Labcorp
Classification: Likely benign. Last evaluated: 2026-01-19. Review status: criteria provided, single submitter. Criteria: Invitae Variant Classification Sherloc (09022015). Collection method: clinical testing. Allele origin: germline.

PreventionGenetics, part of Exact Sciences
Classification: Likely benign for ADGRV1-related condition. Last evaluated: 2024-12-19. Review status: criteria provided, single submitter. Criteria: ACMG Guidelines, 2015. Collection method: clinical testing. Allele origin: germline.
Comment: This variant is classified as likely benign based on ACMG/AMP sequence variant interpretation guidelines (Richards et al. 2015 PMID: 25741868, with internal and published modifications).

Blueprint Genetics
Classification: Uncertain significance. Last evaluated: 2024-11-19. Review status: criteria provided, single submitter. Criteria: ACMG Guidelines, 2015. Collection method: clinical testing. Allele origin: germline.

Ambry Genetics
Classification: Likely benign for Inborn genetic diseases. Last evaluated: 2024-05-29. Review status: criteria provided, single submitter. Criteria: Ambry Variant Classification Scheme 2023. Collection method: clinical testing. Allele origin: germline.

GeneDx
Classification: Likely benign. Last evaluated: 2020-07-12. Review status: criteria provided, single submitter. Criteria: GeneDx Variant Classification Process June 2021. Collection method: clinical testing. Allele origin: germline. Affected: yes.

Center for Pediatric Genomic Medicine, Children's Mercy Hospital and Clinics
Classification: Uncertain significance. Last evaluated: 2017-03-30. Review status: criteria provided, single submitter. Criteria: ACMG Guidelines, 2015. Collection method: clinical testing. Allele origin: germline.

NM_032119.4(ADGRV1):c.17987G>T (p.Trp5996Leu)

Gene: ADGRV1 (adhesion G protein-coupled receptor V1; plus strand). Cytogenetic location: 5q14.3.
Variant type: single nucleotide variant.
Coding change: c.17987G>T on transcript NM_032119.4 (MANE Select); coding-DNA position 17987, G replaced by T.
Protein change: p.Trp5996Leu; replaces tryptophan 5996 with leucine.
Molecular consequence: missense variant. On other transcripts: non-coding transcript variant (1).
Genome position (GRCh38, 1-based): chr5:90,985,357, G>T. VCF-style: chr5-90985357-G-T. GRCh37 (hg19) VCF-style: chr5-90281174-G-T.
Other names: short protein forms W5996L.
Identifiers: ClinVar variation 445736 (VCV000445736.19), dbSNP rs544077645, ClinGen allele CA3342531.
Genomic context (GRCh38, chr5:90,985,357, plus strand): 5'-TGCCATTAAAGAAGAGCCTGTTCATTTTATGTTGTTTTCTTCCTTAGTCTGTGAATTTCT[G>T]GTACGTGCTGGTGATGAATGATGAGCACACAGAGAGGCGATATCTGCTGTTTTTCCTTCT-3'
Protein context (NP_115495.3, residues 5986-6006): SWMLIQSVNF[Trp5996Leu]YVLVMNDEHT